The following is an entry in ClinVar:

NM_002439.5(MSH3):c.1441_1450del (p.Val481fs)

Gene: MSH3 (mutS homolog 3; plus strand). Cytogenetic location: 5q14.1.
Variant type: Deletion.
Coding change: c.1441_1450del on transcript NM_002439.5 (MANE Select); coding-DNA positions 1441 to 1450, 10 bases deleted (GTTGACATCA; older notation c.1441_1450delGTTGACATCA).
Protein change: p.Val481fs; shifts the reading frame from valine 481.
Molecular consequence: frameshift variant.
Genome position (GRCh38, 1-based): chr5:80,725,553-80,725,562, GTTGACATCA deleted; deleting any 10 consecutive bases within chr5:80,725,551-80,725,562 gives the same sequence; the c. name uses the placement nearest the transcript's 3' end. VCF-style (leftmost placement, unchanged base first): chr5-80725550-ACAGTTGACAT-A. GRCh37 (hg19) VCF-style: chr5-80021369-ACAGTTGACAT-A.
Other names: short protein forms V481fs.
Identifiers: ClinVar variation 4856741 (VCV004856741.1).

ClinVar aggregate classification (germline): Pathogenic (1 of 4 stars; one submission).

Conditions:
Familial adenomatous polyposis 4 (FAP4). Also called: MSH3-related attenuated familial adenomatous polyposis. Identifiers: Orphanet 480536, MedGen C4310719, MONDO:0044300, OMIM 617100.

Submission:

Myriad Genetics, Inc.
Classification: Pathogenic for Familial adenomatous polyposis 4. Last evaluated: 2026-02-10. Review status: criteria provided, single submitter. Criteria: Myriad Autosomal Dominant, Autosomal Recessive and X-Linked Classification Criteria (2023). Collection method: clinical testing. Allele origin: unknown.
Comment: This variant is considered pathogenic. This variant creates a frameshift predicted to result in premature protein truncation.